The following is an entry in ClinVar:

NM_021870.3(FGG):c.318C>T (p.Asp106=)

Gene: FGG (fibrinogen gamma chain; minus strand). Cytogenetic location: 4q32.1.
Variant type: single nucleotide variant.
Coding change: c.318C>T on transcript NM_021870.3 (MANE Select); coding-DNA position 318, C replaced by T.
Protein change: p.Asp106=; no amino-acid change (aspartic acid 106 retained).
Molecular consequence: synonymous variant.
Genome position (GRCh38, 1-based): chr4:154,611,888, G>A on the plus strand (C>T on the coding strand, the complement: FGG is on the minus strand). VCF-style: chr4-154611888-G-A. GRCh37 (hg19) VCF-style: chr4-155533040-G-A.
Other names: c.318C>T, p.Asp106= (NM_000509.6); c.318C>T (NM_000509.5).
Identifiers: ClinVar variation 900592 (VCV000900592.9), dbSNP rs150242757, ClinGen allele CA3115672.

ClinVar aggregate classification (germline): Conflicting classifications of pathogenicity. Review status: criteria provided, conflicting classifications (1 of 4 stars). 4 submissions from 4 submitters: Uncertain significance (1); Likely benign (2). 1 of the submissions does not count toward it. Last evaluated 2025-08-03.

Conditions:
FGG-related disorder. Also called: FGG-related condition.
Congenital afibrinogenemia. Identifiers: Orphanet 335, Orphanet 98880, MedGen C2584774, MONDO:0008737, OMIM 202400.

Allele frequency attached by ClinVar (database versions not stated): ExAC 0.00012; gnomAD exomes 0.00014 and 0.00023; gnomAD 0.00016 and 0.00017; ESP Exome Variant Server 0.00046; TOPMed 0.00019; 1000 Genomes Project 0.00020; 1000 Genomes Project 30x 0.00016.

Submissions (4):

Labcorp Genetics (formerly Invitae), Labcorp
Classification: Likely benign. Last evaluated: 2025-08-03. Review status: criteria provided, single submitter. Criteria: Invitae Variant Classification Sherloc (09022015). Collection method: clinical testing. Allele origin: germline.

Women's Health and Genetics/Laboratory Corporation of America, LabCorp
Classification: Likely benign. Last evaluated: 2025-05-20. Review status: criteria provided, single submitter. Criteria: LabCorp Variant Classification Summary - May 2015. Collection method: clinical testing. Allele origin: germline.

Illumina Laboratory Services, Illumina
Classification: Uncertain significance for Congenital afibrinogenemia. Last evaluated: 2018-01-13. Review status: criteria provided, single submitter. Criteria: ICSL Variant Classification Criteria 13 December 2019. Collection method: clinical testing. Allele origin: germline.

PreventionGenetics, part of Exact Sciences
Classification: Likely benign for FGG-related condition. Last evaluated: 2019-04-04. Review status: no assertion criteria provided. Collection method: clinical testing. Allele origin: germline. Not counted in ClinVar's aggregate classification.
Comment: This variant is classified as likely benign based on ACMG/AMP sequence variant interpretation guidelines (Richards et al. 2015 PMID: 25741868, with internal and published modifications).